The following is an entry in ClinVar:

ClinVar aggregate classification (germline): Benign/Likely benign. Review status: criteria provided, multiple submitters, no conflicts (2 of 4 stars). 3 submissions from 3 submitters: Benign (1); Likely benign (2). Last evaluated 2025-01-03.

Conditions:
Hereditary nonpolyposis colorectal neoplasms. Identifiers: MedGen C0009405, MeSH D003123.
Hereditary cancer-predisposing syndrome. Also called: Hereditary Cancer Syndrome; Hereditary neoplastic syndrome; Neoplastic Syndromes, Hereditary; Tumor predisposition. Identifiers: Orphanet 140162, MedGen C0027672, MeSH D009386, MONDO:0015356.
Lynch syndrome 5 (LYNCH5). Also called: Hereditary non-polyposis colorectal cancer, type 5; Colorectal cancer, hereditary nonpolyposis, type 5. Identifiers: Orphanet 144, MedGen C1833477, MONDO:0013710, OMIM 614350. Disease mechanism: loss of function.

Submissions (3):

Myriad Genetics, Inc.
Classification: Benign for Lynch syndrome 5. Last evaluated: 2025-01-03. Review status: criteria provided, single submitter. Criteria: Myriad Autosomal Dominant, Autosomal Recessive and X-Linked Classification Criteria (2023). Collection method: clinical testing. Allele origin: unknown.
Comment: This variant is considered benign. This variant is a silent/synonymous amino acid change and it is not expected to impact splicing.

Color Diagnostics, LLC DBA Color Health
Classification: Likely benign for Hereditary cancer-predisposing syndrome. Last evaluated: 2018-08-28. Review status: criteria provided, single submitter. Criteria: ACMG Guidelines, 2015. Collection method: clinical testing. Allele origin: germline.

Labcorp Genetics (formerly Invitae), Labcorp
Classification: Likely benign for Hereditary nonpolyposis colorectal neoplasms. Last evaluated: 2017-05-09. Review status: criteria provided, single submitter. Criteria: Invitae Variant Classification Sherloc (09022015). Collection method: clinical testing. Allele origin: germline.

NM_000179.3(MSH6):c.3168G>C (p.Val1056=)

Gene: MSH6 (mutS homolog 6; plus strand). Cytogenetic location: 2p16.3.
Variant type: single nucleotide variant.
Coding change: c.3168G>C on transcript NM_000179.3 (MANE Select); coding-DNA position 3168, G replaced by C.
Protein change: p.Val1056=; no amino-acid change (valine 1056 retained).
Molecular consequence: synonymous variant.
Genome position (GRCh38, 1-based): chr2:47,801,151, G>C. VCF-style: chr2-47801151-G-C. GRCh37 (hg19) VCF-style: chr2-48028290-G-C.
Other names: c.2778G>C, p.Val926= (NM_001281492.2); c.2262G>C, p.Val754= (NM_001281493.2, NM_001281494.2).
Identifiers: ClinVar variation 455237 (VCV000455237.12), dbSNP rs1553414594, ClinGen allele CA426122066.